The following is an entry in ClinVar:

NM_007347.5(AP4E1):c.2429C>T (p.Thr810Ile)

Gene: AP4E1 (adaptor related protein complex 4 subunit epsilon 1; plus strand). Cytogenetic location: 15q21.2.
Variant type: single nucleotide variant.
Coding change: c.2429C>T on transcript NM_007347.5 (MANE Select); coding-DNA position 2429, C replaced by T.
Protein change: p.Thr810Ile; replaces threonine 810 with isoleucine.
Molecular consequence: missense variant.
Genome position (GRCh38, 1-based): chr15:50,997,408, C>T. VCF-style: chr15-50997408-C-T. GRCh37 (hg19) VCF-style: chr15-51289605-C-T.
Other names: c.2204C>T, p.Thr735Ile (NM_001252127.2); short protein forms T810I, T735I.
Identifiers: ClinVar variation 128395 (VCV000128395.19), dbSNP rs75130619, ClinGen allele CA151840.

ClinVar aggregate classification (germline): Benign. Review status: criteria provided, multiple submitters, no conflicts (2 of 4 stars). 7 submissions from 6 submitters: Benign (6). 1 of the submissions does not count toward it. Last evaluated 2026-02-03.

Conditions:
AP4E1-related disorder. Also called: AP4E1-related condition.
Spastic paraplegia. Identifiers: MedGen C0037772, HP:0001258.
Stuttering, familial persistent, 1. Also called: STAMMERING. Identifiers: MedGen C3489627, MONDO:0008483, OMIM 184450.
Hereditary spastic paraplegia 51. Also called: Spastic paraplegia 51, autosomal recessive; CEREBRAL PALSY, SPASTIC QUADRIPLEGIC, 4. Identifiers: Orphanet 280763, MedGen C3151056, MONDO:0013401, OMIM 613744.

Allele frequency attached by ClinVar (database versions not stated): ExAC 0.00359; gnomAD 0.01128 and 0.01213; 1000 Genomes Project 0.01258; TOPMed 0.01278; ESP Exome Variant Server 0.01394; 1000 Genomes Project 30x 0.01452.
gnomAD v4.1: 3,231 of 1,612,482 alleles (0.2%); highest among the groups gnomAD compares: African/African-American, 3.9%; 55 homozygotes.

Submissions (7):

Labcorp Genetics (formerly Invitae), Labcorp
Classification: Benign for Spastic paraplegia. Last evaluated: 2026-02-03. Review status: criteria provided, single submitter. Criteria: Invitae Variant Classification Sherloc (09022015). Collection method: clinical testing. Allele origin: germline.

Genome-Nilou Lab
Classification: Benign for Hereditary spastic paraplegia 51. Last evaluated: 2021-12-05. Review status: criteria provided, single submitter. Criteria: ACMG Guidelines, 2015. Collection method: clinical testing. Allele origin: germline. Affected: no.

Genome-Nilou Lab
Classification: Benign for Stuttering, familial persistent, 1. Last evaluated: 2021-12-05. Review status: criteria provided, single submitter. Criteria: ACMG Guidelines, 2015. Collection method: clinical testing. Allele origin: germline. Affected: no.

GeneDx
Classification: Benign. Last evaluated: 2016-07-15. Review status: criteria provided, single submitter. Criteria: GeneDx Variant Classification (06012015). Collection method: clinical testing. Allele origin: germline. Affected: yes.
Comment: This variant is considered likely benign or benign based on one or more of the following criteria: it is a conservative change, it occurs at a poorly conserved position in the protein, it is predicted to be benign by multiple in silico algorithms, and/or has population frequency not consistent with disease.

Genetic Services Laboratory, University of Chicago
Classification: Benign for AllHighlyPenetrant. Last evaluated: 2013-07-08. Review status: criteria provided, single submitter. Criteria: ACMG Guidelines, 2007. Collection method: clinical testing. Allele origin: germline. Inheritance: Autosomal recessive inheritance.

Breakthrough Genomics
Classification: Benign. Review status: criteria provided, single submitter. Criteria: ACMG Guidelines, 2015. Collection method: not provided. Allele origin: germline. Inheritance: Autosomal recessive inheritance. Affected: yes.

PreventionGenetics, part of Exact Sciences
Classification: Benign for AP4E1-related condition. Last evaluated: 2019-10-01. Review status: no assertion criteria provided. Collection method: clinical testing. Allele origin: germline. Not counted in ClinVar's aggregate classification.
Comment: This variant is classified as benign based on ACMG/AMP sequence variant interpretation guidelines (Richards et al. 2015 PMID: 25741868, with internal and published modifications).